The following is an entry in ClinVar:

ClinVar aggregate classification (germline): Uncertain significance. Review status: criteria provided, multiple submitters, no conflicts (2 of 4 stars). 3 submissions from 3 submitters: Uncertain significance (3). Last evaluated 2024-01-05.

Conditions:
Melnick-Fraser syndrome (BOR). Also called: Branchiootorenal syndrome; Branchio-oto-renal syndrome; Branchiootorenal Syndrome (BORS). Identifiers: Orphanet 107, MedGen C0265234, MONDO:0007029.

Allele frequency attached by ClinVar (database versions not stated): gnomAD exomes 0.00001; ExAC 0.00002.
gnomAD v4.1: 8 of 1,614,036 alleles (0.0005%); highest among the groups gnomAD compares: African/African-American, 0.0013%; no homozygotes.

Submissions (3):

GeneDx
Classification: Uncertain significance. Last evaluated: 2024-01-05. Review status: criteria provided, single submitter. Criteria: GeneDx Variant Classification Process June 2021. Collection method: clinical testing. Allele origin: germline. Affected: yes.
Comment: In silico analysis supports that this missense variant has a deleterious effect on protein structure/function; Has not been previously published as pathogenic or benign to our knowledge

Labcorp Genetics (formerly Invitae), Labcorp
Classification: Uncertain significance for Melnick-Fraser syndrome. Last evaluated: 2021-03-31. Review status: criteria provided, single submitter. Criteria: Invitae Variant Classification Sherloc (09022015). Collection method: clinical testing. Allele origin: germline.
Comment: This sequence change replaces arginine with tryptophan at codon 425 of the EYA1 protein (p.Arg425Trp). The arginine residue is highly conserved and there is a moderate physicochemical difference between arginine and tryptophan. In summary, the available evidence is currently insufficient to determine the role of this variant in disease. Therefore, it has been classified as a Variant of Uncertain Significance. Algorithms developed to predict the effect of missense changes on protein structure and function are either unavailable or do not agree on the potential impact of this missense change (SIFT: "Deleterious"; PolyPhen-2: "Probably Damaging"; Align-GVGD: "Class C0"). This variant has not been reported in the literature in individuals with EYA1-related conditions. This variant is present in population databases (rs779423947, ExAC 0.003%).

Blueprint Genetics
Classification: Uncertain significance. Last evaluated: 2019-07-29. Review status: criteria provided, single submitter. Criteria: ACMG Guidelines, 2015. Collection method: clinical testing. Allele origin: germline.

NM_000503.6(EYA1):c.1273C>T (p.Arg425Trp)

Gene: EYA1 (EYA transcriptional coactivator and phosphatase 1; minus strand). Cytogenetic location: 8q13.3.
Variant type: single nucleotide variant.
Coding change: c.1273C>T on transcript NM_000503.6 (MANE Select); coding-DNA position 1273, C replaced by T.
Protein change: p.Arg425Trp; replaces arginine 425 with tryptophan.
Molecular consequence: missense variant.
Genome position (GRCh38, 1-based): chr8:71,216,779, G>A on the plus strand (C>T on the coding strand, the complement: EYA1 is on the minus strand). VCF-style: chr8-71216779-G-A. GRCh37 (hg19) VCF-style: chr8-72129014-G-A.
Other names: c.1255C>T, p.Arg419Trp (NM_001288574.2, NM_172059.5); c.907C>T, p.Arg303Trp (NM_001288575.2); c.1360C>T, p.Arg454Trp (NM_001370333.1); c.1273C>T, p.Arg425Trp (NM_001370334.1, NM_001370335.1, NM_172058.4); c.1252C>T, p.Arg418Trp (NM_001370336.1); c.1273C>T (NM_000503.4); short protein forms R454W, R419W, R425W, R303W, R418W.
Identifiers: ClinVar variation 1516097 (VCV001516097.10), dbSNP rs779423947, ClinGen allele CA4779509.